The following is an entry in ClinVar:

ClinVar aggregate classification (germline): Likely benign. Review status: criteria provided, single submitter (1 of 4 stars). 2 submissions from 2 submitters: Likely benign (1). 1 of the submissions does not count toward it. Last evaluated 2025-07-16.

Conditions:
LAMA5-related disorder. Also called: LAMA5-related condition; LAMA5-Related Disorders.

Allele frequency attached by ClinVar (database versions not stated): gnomAD exomes 0.00003; ExAC 0.00004; TOPMed 0.00009; ESP Exome Variant Server 0.00015; gnomAD 0.00015.
gnomAD v4.1: 68 of 1,603,592 alleles (0.0042%); highest among the groups gnomAD compares: African/African-American, 0.035%; no homozygotes.

Submissions (2):

Labcorp Genetics (formerly Invitae), Labcorp
Classification: Likely benign. Last evaluated: 2025-07-16. Review status: criteria provided, single submitter. Criteria: Invitae Variant Classification Sherloc (09022015). Collection method: clinical testing. Allele origin: germline.

PreventionGenetics, part of Exact Sciences
Classification: Likely benign for LAMA5-related condition. Last evaluated: 2021-05-21. Review status: no assertion criteria provided. Collection method: clinical testing. Allele origin: germline. Not counted in ClinVar's aggregate classification.
Comment: This variant is classified as likely benign based on ACMG/AMP sequence variant interpretation guidelines (Richards et al. 2015 PMID: 25741868, with internal and published modifications).

NM_005560.6(LAMA5):c.3591G>A (p.Pro1197=)

Gene: LAMA5 (laminin subunit alpha 5; minus strand). Cytogenetic location: 20q13.33.
Variant type: single nucleotide variant.
Coding change: c.3591G>A on transcript NM_005560.6 (MANE Select); coding-DNA position 3591, G replaced by A.
Protein change: p.Pro1197=; no amino-acid change (proline 1197 retained).
Molecular consequence: synonymous variant.
Genome position (GRCh38, 1-based): chr20:62,331,091, C>T on the plus strand (G>A on the coding strand, the complement: LAMA5 is on the minus strand). VCF-style: chr20-62331091-C-T. GRCh37 (hg19) VCF-style: chr20-60906147-C-T.
Identifiers: ClinVar variation 3031319 (VCV003031319.3), dbSNP rs151262272, ClinGen allele CA9942928.